The following is an entry in ClinVar:

NM_000428.3(LTBP2):c.1657C>T (p.Arg553Trp)

Gene: LTBP2 (latent transforming growth factor beta binding protein 2; minus strand). Cytogenetic location: 14q24.3.
Variant type: single nucleotide variant.
Coding change: c.1657C>T on transcript NM_000428.3 (MANE Select); coding-DNA position 1657, C replaced by T.
Protein change: p.Arg553Trp; replaces arginine 553 with tryptophan.
Molecular consequence: missense variant.
Genome position (GRCh38, 1-based): chr14:74,551,093, G>A on the plus strand (C>T on the coding strand, the complement: LTBP2 is on the minus strand). VCF-style: chr14-74551093-G-A. GRCh37 (hg19) VCF-style: chr14-75017796-G-A.
Other names: c.1657C>T (NM_000428.2); short protein forms R553W.
Identifiers: ClinVar variation 1481715 (VCV001481715.4), dbSNP rs746326223, ClinGen allele CA7269820.
Genomic context (GRCh38, chr14:74,551,093, plus strand): 5'-TCCAGGGCTGAGGCCAGAGCTGTGTTCTCACCTGTCCGTTCACAGTGTTCAGGTAACACC[G>A]GCCCAGCAGTCCTCGAGGCCTGGGTGCTGCTGGGGGCAGTGGCCGAGGGGGCTCTCCAGA-3'
Protein context (NP_000419.1, residues 543-563): AAPRPRGLLG[Arg553Trp]CYLNTVNGQC

ClinVar aggregate classification (germline): Uncertain significance. Review status: criteria provided, multiple submitters, no conflicts (2 of 4 stars). 2 submissions from 2 submitters: Uncertain significance (2). Last evaluated 2025-09-10.

Conditions:
Inborn genetic diseases. Identifiers: MedGen C0950123, MeSH D030342.

gnomAD v4.1: 31 of 1,613,638 alleles (0.0019%); highest among the groups gnomAD compares: Non-Finnish European, 0.0025%; no homozygotes.

Submissions (2):

Ambry Genetics
Classification: Uncertain significance for Inborn genetic diseases. Last evaluated: 2025-09-10. Review status: criteria provided, single submitter. Criteria: Ambry Variant Classification Scheme 2023. Collection method: clinical testing. Allele origin: germline.

Labcorp Genetics (formerly Invitae), Labcorp
Classification: Uncertain significance. Last evaluated: 2022-04-01. Review status: criteria provided, single submitter. Criteria: Invitae Variant Classification Sherloc (09022015). Collection method: clinical testing. Allele origin: germline.
Comment: This sequence change replaces arginine, which is basic and polar, with tryptophan, which is neutral and slightly polar, at codon 553 of the LTBP2 protein (p.Arg553Trp). This variant is present in population databases (rs746326223, gnomAD 0.003%). This variant has not been reported in the literature in individuals affected with LTBP2-related conditions. Algorithms developed to predict the effect of missense changes on protein structure and function output the following: SIFT: "Deleterious"; PolyPhen-2: "Benign"; Align-GVGD: "Class C25". The tryptophan amino acid residue is found in multiple mammalian species, which suggests that this missense change does not adversely affect protein function. In summary, the available evidence is currently insufficient to determine the role of this variant in disease. Therefore, it has been classified as a Variant of Uncertain Significance.